The following is an entry in ClinVar:

NM_000065.5(C6):c.322C>A (p.Arg108Ser)

Gene: C6 (complement C6; minus strand). Cytogenetic location: 5p13.1.
Variant type: single nucleotide variant.
Coding change: c.322C>A on transcript NM_000065.5 (MANE Select); coding-DNA position 322, C replaced by A.
Protein change: p.Arg108Ser; replaces arginine 108 with serine.
Molecular consequence: missense variant.
Genome position (GRCh38, 1-based): chr5:41,199,891, G>T on the plus strand (C>A on the coding strand, the complement: C6 is on the minus strand). VCF-style: chr5-41199891-G-T. GRCh37 (hg19) VCF-style: chr5-41199993-G-T.
Other names: c.322C>A, p.Arg108Ser (NM_001115131.4); short protein forms R108S.
Identifiers: ClinVar variation 1428089 (VCV001428089.4), dbSNP rs530594382, ClinGen allele CA3252828.
Genomic context (GRCh38, chr5:41,199,891, plus strand): 5'-TGCATGGTTGAAAGGCTACCAGAGGCGCAGTGCATGGCTGTCCCCCAAACTGACTGGGAC[G>T]CAAGACAGATCTAACTTTAGACTGAAAGGAAAGAAGAGAAAGATATAACTCTGAGGCAGG-3'
Protein context (NP_000056.2, residues 98-118): EKQSKVRSVL[Arg108Ser]PSQFGGQPCT

ClinVar aggregate classification (germline): Uncertain significance (1 of 4 stars; one submission).

Allele frequency attached by ClinVar (database versions not stated): gnomAD exomes below 0.00001; ExAC 0.00001; 1000 Genomes Project 0.00020; 1000 Genomes Project 30x 0.00031.
gnomAD v4.1: 4 of 1,613,608 alleles (0.00025%); highest among the groups gnomAD compares: Non-Finnish European, 0.00034%; no homozygotes.

Submission:

Labcorp Genetics (formerly Invitae), Labcorp
Classification: Uncertain significance. Last evaluated: 2022-07-13. Review status: criteria provided, single submitter. Criteria: Invitae Variant Classification Sherloc (09022015). Collection method: clinical testing. Allele origin: germline.
Comment: This variant has not been reported in the literature in individuals affected with C6-related conditions. The frequency data for this variant in the population databases is considered unreliable, as metrics indicate poor data quality at this position in the gnomAD database. This sequence change replaces arginine, which is basic and polar, with serine, which is neutral and polar, at codon 108 of the C6 protein (p.Arg108Ser). ClinVar contains an entry for this variant (Variation ID: 1428089). In summary, the available evidence is currently insufficient to determine the role of this variant in disease. Therefore, it has been classified as a Variant of Uncertain Significance. Algorithms developed to predict the effect of missense changes on protein structure and function are either unavailable or do not agree on the potential impact of this missense change (SIFT: "Deleterious"; PolyPhen-2: "Possibly Damaging"; Align-GVGD: "Class C0").